The following is an entry in ClinVar:

ClinVar aggregate classification (germline): Pathogenic (1 of 4 stars; one submission).

Conditions:
ALG1-congenital disorder of glycosylation. Also called: CONGENITAL DISORDER OF GLYCOSYLATION, TYPE Ik; CDG Ik; ALG1-CDG. Identifiers: Orphanet 79327, MedGen C2931005, MONDO:0012052, OMIM 608540.

Submission:

Labcorp Genetics (formerly Invitae), Labcorp
Classification: Pathogenic for ALG1-congenital disorder of glycosylation. Last evaluated: 2023-04-11. Review status: criteria provided, single submitter. Criteria: Invitae Variant Classification Sherloc (09022015). Collection method: clinical testing. Allele origin: germline.
Comment: For these reasons, this variant has been classified as Pathogenic. This variant has not been reported in the literature in individuals affected with ALG1-related conditions. This variant is not present in population databases (gnomAD no frequency). This sequence change creates a premature translational stop signal (p.Val107Serfs*31) in the ALG1 gene. It is expected to result in an absent or disrupted protein product. Loss-of-function variants in ALG1 are known to be pathogenic (PMID: 20679665, 23806237).

Literature cited by the submitters: PubMed 20679665; PubMed 23806237.

NM_019109.5(ALG1):c.318dup (p.Val107fs)

Gene: ALG1 (ALG1 chitobiosyldiphosphodolichol beta-mannosyltransferase; plus strand). Cytogenetic location: 16p13.3.
Variant type: Duplication.
Coding change: c.318dup on transcript NM_019109.5 (MANE Select); coding-DNA position 318, one base duplicated (A; older notation c.318dupA).
Protein change: p.Val107fs; shifts the reading frame from valine 107.
Molecular consequence: frameshift variant. On other transcripts: 5 prime UTR variant (1).
Genome position (GRCh38, 1-based): chr16:5,073,184, A duplicated; the last of 3 consecutive A bases (chr16:5,073,182-5,073,184); duplicating any one gives the same sequence. VCF-style (leftmost placement, unchanged base first): chr16-5073181-C-CA. GRCh37 (hg19) VCF-style: chr16-5123182-C-CA.
Other names: c.-16dup (NM_001330504.2); short protein forms V107fs.
Identifiers: ClinVar variation 2855024 (VCV002855024.3), dbSNP rs2505849083, ClinGen allele CA2631572790.